The following is an entry in ClinVar:

ClinVar aggregate classification (germline): Likely benign (1 of 4 stars; one submission).

Allele frequency attached by ClinVar (database versions not stated): TOPMed 0.00002; gnomAD 0.00011; 1000 Genomes Project 30x 0.00062; ExAC 0.00066; 1000 Genomes Project 0.00080.
gnomAD v4.1: 391 of 1,603,276 alleles (0.024%); highest among the groups gnomAD compares: South Asian, 0.39%; 5 homozygotes.

Submission:

CeGaT Center for Human Genetics Tuebingen
Classification: Likely benign. Last evaluated: 2022-12-01. Review status: criteria provided, single submitter. Criteria: CeGaT Center For Human Genetics Tuebingen Variant Classification Criteria Version 2. Collection method: clinical testing. Allele origin: germline. Affected: yes. Observed: 1 variant allele.
Comment: CNTN5: BP4

NM_014361.4(CNTN5):c.981-5C>T

Gene: CNTN5 (contactin 5; plus strand). Cytogenetic location: 11q22.1.
Variant type: single nucleotide variant.
Coding change: c.981-5C>T on transcript NM_014361.4 (MANE Select); 5 bases into the intron before coding-DNA position 981, C replaced by T.
Molecular consequence: intron variant.
Genome position (GRCh38, 1-based): chr11:100,061,207, C>T. VCF-style: chr11-100061207-C-T. GRCh37 (hg19) VCF-style: chr11-99931939-C-T.
Other names: c.981-5C>T (NM_001243270.2, NM_001243271.2); c.759-5C>T (NM_175566.2).
Identifiers: ClinVar variation 2642310 (VCV002642310.24), dbSNP rs113132209, ClinGen allele CA6242285.
Genomic context (GRCh38, chr11:100,061,207, plus strand): 5'-GATAACAGAATCTATGTTCCTAACAGTGGAGAGTGTATTAACAGTATTTTTGTTCCCTAT[C>T]GTAGCCCCGTTCCAACAATCACATGGATGAAGGTTAATGGTTATATTCCTAGTAAGGCAC-3'